The following is an entry in ClinVar:

NM_001972.4(ELANE):c.353T>A (p.Ile118Asn)

Gene: ELANE (elastase, neutrophil expressed; plus strand). Cytogenetic location: 19p13.3.
Variant type: single nucleotide variant.
Coding change: c.353T>A on transcript NM_001972.4 (MANE Select); coding-DNA position 353, T replaced by A.
Protein change: p.Ile118Asn; replaces isoleucine 118 with asparagine.
Molecular consequence: missense variant.
Genome position (GRCh38, 1-based): chr19:853,390, T>A. VCF-style: chr19-853390-T-A. GRCh37 (hg19) VCF-style: chr19-853390-T-A.
Other names: c.353T>A (LRG_57t1); short protein forms I118N.
Identifiers: ClinVar variation 649979 (VCV000649979.11), dbSNP rs1599291639, ClinGen allele CA402916377.

ClinVar aggregate classification (germline): Uncertain significance (1 of 4 stars; one submission).

Conditions:
Neutropenia, severe congenital, 1, autosomal dominant. Identifiers: MedGen C1859966, MONDO:0042490, OMIM 202700.
Cyclical neutropenia. Also called: Cyclic hematopoiesis; Cyclic Neutropenia. Identifiers: Orphanet 2686, MedGen C0221023, MONDO:0008090, OMIM 162800, HP:0040289. Disease mechanism: loss of function.

Submission:

Labcorp Genetics (formerly Invitae), Labcorp
Classification: Uncertain significance for Neutropenia, severe congenital, 1, autosomal dominant; Cyclical neutropenia. Last evaluated: 2018-08-14. Review status: criteria provided, single submitter. Criteria: Invitae Variant Classification Sherloc (09022015). Collection method: clinical testing. Allele origin: germline.
Comment: In summary, the available evidence is currently insufficient to determine the role of this variant in disease. Therefore, it has been classified as a Variant of Uncertain Significance. Algorithms developed to predict the effect of missense changes on protein structure and function are either unavailable or do not agree on the potential impact of this missense change (SIFT: "Deleterious"; PolyPhen-2: "Possibly Damaging"; Align-GVGD: "Class C0"). This variant has been observed in an individual affected with congenital neutropenia (PMID: 25427142). This variant is not present in population databases (ExAC no frequency). This sequence change replaces isoleucine with asparagine at codon 118 of the ELANE protein (p.Ile118Asn). The isoleucine residue is highly conserved and there is a large physicochemical difference between isoleucine and asparagine.

Literature cited by the submitters: PubMed 25427142.